The following is an entry in ClinVar:

NM_001365951.3(KIF1B):c.2544G>T (p.Arg848Ser)

Gene: KIF1B (kinesin family member 1B; plus strand). Cytogenetic location: 1p36.22.
Variant type: single nucleotide variant.
Coding change: c.2544G>T on transcript NM_001365951.3 (MANE Select); coding-DNA position 2544, G replaced by T.
Protein change: p.Arg848Ser; replaces arginine 848 with serine.
Molecular consequence: missense variant.
Genome position (GRCh38, 1-based): chr1:10,324,764, G>T. VCF-style: chr1-10324764-G-T. GRCh37 (hg19) VCF-style: chr1-10384822-G-T.
Other names: c.2544G>T, p.Arg848Ser (NM_001365952.1); c.2406G>T, p.Arg802Ser (NM_015074.3); short protein forms R802S, R848S.
Identifiers: ClinVar variation 3896891 (VCV003896891.2).

ClinVar aggregate classification (germline): Uncertain significance. Review status: criteria provided, multiple submitters, no conflicts (2 of 4 stars). 2 submissions from 2 submitters: Uncertain significance (2). Last evaluated 2026-03-08.

Conditions:
Charcot-Marie-Tooth disease type 2A1. Also called: CHARCOT-MARIE-TOOTH DISEASE, AXONAL, TYPE 2A1; CHARCOT-MARIE-TOOTH DISEASE, AXONAL, AUTOSOMAL DOMINANT, TYPE 2A1; CHARCOT-MARIE-TOOTH DISEASE, NEURONAL, TYPE 2A1; CHARCOT-MARIE-TOOTH NEUROPATHY, TYPE 2A1; HEREDITARY MOTOR AND SENSORY NEUROPATHY IIA1. Identifiers: Orphanet 99946, MedGen C1861678, MONDO:0007308, OMIM 118210.

gnomAD v4.1: 2 of 1,614,026 alleles (0.00012%); highest among the groups gnomAD compares: South Asian, 0.0011%; no homozygotes.

Submissions (2):

Ambry Genetics
Classification: Uncertain significance. Last evaluated: 2026-03-08. Review status: criteria provided, single submitter. Criteria: Ambry Variant Classification Scheme 2023. Collection method: clinical testing. Allele origin: germline.
Comment: The p.R802S variant (also known as c.2406G>T), located in coding exon 23 of the KIF1B gene, results from a G to T substitution at nucleotide position 2406. The arginine at codon 802 is replaced by serine, an amino acid with dissimilar properties. This amino acid position is conserved. In addition, this alteration is predicted to be deleterious by in silico analysis. Based on the available evidence, the clinical significance of this variant remains unclear.

Kariminejad - Najmabadi Pathology & Genetics Center
Classification: Uncertain significance for Charcot-Marie-Tooth disease type 2A1. Last evaluated: 2023-11-30. Review status: criteria provided, single submitter. Criteria: ACMG Guidelines, 2015. Collection method: clinical testing. Allele origin: germline. Inheritance: Autosomal dominant inheritance. Affected: yes.
Comment: PM2_m,PP3